The following is an entry in ClinVar:

ClinVar aggregate classification (germline): Pathogenic (1 of 4 stars; one submission).

Conditions:
Cardiovascular phenotype. Identifiers: MedGen CN230736.
Hereditary cancer-predisposing syndrome. Also called: Neoplastic Syndromes, Hereditary; Tumor predisposition; Hereditary Cancer Syndrome; Hereditary neoplastic syndrome. Identifiers: Orphanet 140162, MedGen C0027672, MeSH D009386, MONDO:0015356.

Submission:

Ambry Genetics
Classification: Pathogenic for Cardiovascular phenotype; Hereditary cancer-predisposing syndrome. Last evaluated: 2026-03-30. Review status: criteria provided, single submitter. Criteria: Ambry Variant Classification Scheme 2023. Collection method: clinical testing. Allele origin: germline.
Comment: The c.3294delC pathogenic mutation, located in coding exon 25 of the NF1 gene, results from a deletion of one nucleotide at nucleotide position 3294, causing a translational frameshift with a predicted alternate stop codon (p.K1099Nfs*13). This variant is considered to be rare based on population cohorts in the Genome Aggregation Database (gnomAD). This alteration is expected to result in loss of function by premature protein truncation or nonsense-mediated mRNA decay. As such, this alteration is interpreted as a disease-causing mutation.

NM_001042492.3(NF1):c.3294del (p.Lys1099fs)

Gene: NF1 (neurofibromin 1; plus strand). Cytogenetic location: 17q11.2.
Variant type: Deletion.
Coding change: c.3294del on transcript NM_001042492.3 (MANE Select); coding-DNA position 3294, one base deleted (C; older notation c.3294delC).
Protein change: p.Lys1099fs; shifts the reading frame from lysine 1099.
Molecular consequence: frameshift variant.
Genome position (GRCh38, 1-based): chr17:31,232,169, C deleted; the last of 2 consecutive C bases (chr17:31,232,168-31,232,169); deleting either gives the same sequence. VCF-style (leftmost placement, unchanged base first): chr17-31232167-GC-G. GRCh37 (hg19) VCF-style: chr17-29559185-GC-G.
Other names: c.3294del, p.Lys1099fs (NM_000267.4); short protein forms K1099fs.
Identifiers: ClinVar variation 4860887 (VCV004860887.1).